The following is an entry in ClinVar:

NM_031407.7(HUWE1):c.12330C>T (p.Val4110=)

Gene: HUWE1 (HECT, UBA and WWE domain containing E3 ubiquitin protein ligase 1; minus strand). Cytogenetic location: Xp11.22.
Variant type: single nucleotide variant.
Coding change: c.12330C>T on transcript NM_031407.7 (MANE Select); coding-DNA position 12330, C replaced by T.
Protein change: p.Val4110=; no amino-acid change (valine 4110 retained).
Molecular consequence: synonymous variant.
Genome position (GRCh38, 1-based): chrX:53,536,475, G>A on the plus strand (C>T on the coding strand, the complement: HUWE1 is on the minus strand). VCF-style: chrX-53536475-G-A. GRCh37 (hg19) VCF-style: chrX-53563436-G-A.
Identifiers: ClinVar variation 589663 (VCV000589663.46), dbSNP rs375367345, ClinGen allele CA10421251.
Genomic context (GRCh38, chrX:53,536,475, plus strand): 5'-TCGAGTAAAGTAGCACTCCAGAAGACGGTTGTCATATACAGCTTTGGCCACAATGCGTCC[G>A]ACAAACTTGAAGTAGCTGAGGTGGTTGGGGTTGCAGTGGGAAGATGGATTGATGGTGTAG-3'
Protein context (NP_113584.3, residues 4100-4120): NPNHLSYFKF[Val4110=]GRIVAKAVYD

ClinVar aggregate classification (germline): Benign/Likely benign. Review status: criteria provided, multiple submitters, no conflicts (2 of 4 stars). 5 submissions from 5 submitters: Benign (2); Likely benign (2). 1 of the submissions does not count toward it. Last evaluated 2025-06-16.

Conditions:
HUWE1-related disorder. Also called: HUWE1-related condition.
Inborn genetic diseases. Identifiers: MedGen C0950123, MeSH D030342.

Allele frequency attached by ClinVar (database versions not stated): ExAC 0.00014; gnomAD exomes 0.00016 and 0.00030; gnomAD 0.00020 and 0.00021; 1000 Genomes Project 30x 0.00021; 1000 Genomes Project 0.00026; TOPMed 0.00028; ESP Exome Variant Server 0.00038.
gnomAD v4.1: 354 of 1,208,864 alleles (0.029%); highest among the groups gnomAD compares: African/African-American, 0.035%; no homozygotes.

Submissions (5):

Labcorp Genetics (formerly Invitae), Labcorp
Classification: Benign. Last evaluated: 2025-06-16. Review status: criteria provided, single submitter. Criteria: Invitae Variant Classification Sherloc (09022015). Collection method: clinical testing. Allele origin: germline.

CeGaT Center for Human Genetics Tuebingen
Classification: Likely benign. Last evaluated: 2024-03-01. Review status: criteria provided, single submitter. Criteria: CeGaT Center For Human Genetics Tuebingen Variant Classification Criteria Version 2. Collection method: clinical testing. Allele origin: germline. Affected: yes. Observed: 3 variant alleles.
Comment: HUWE1: BP4, BP7, BS2

GeneDx
Classification: Likely benign. Last evaluated: 2021-06-23. Review status: criteria provided, single submitter. Criteria: GeneDx Variant Classification Process June 2021. Collection method: clinical testing. Allele origin: germline. Affected: yes.

Ambry Genetics
Classification: Benign for Inborn genetic diseases. Last evaluated: 2017-05-28. Review status: criteria provided, single submitter. Criteria: Ambry Variant Classification Scheme 2023. Collection method: clinical testing. Allele origin: germline.

PreventionGenetics, part of Exact Sciences
Classification: Likely benign for HUWE1-related condition. Last evaluated: 2024-09-28. Review status: no assertion criteria provided. Collection method: clinical testing. Allele origin: germline. Not counted in ClinVar's aggregate classification.
Comment: This variant is classified as likely benign based on ACMG/AMP sequence variant interpretation guidelines (Richards et al. 2015 PMID: 25741868, with internal and published modifications).